The following is an entry in ClinVar:

NM_020686.6(ABAT):c.1274G>A (p.Arg425Gln)

Gene: ABAT (4-aminobutyrate aminotransferase; plus strand). Cytogenetic location: 16p13.2.
Variant type: single nucleotide variant.
Coding change: c.1274G>A on transcript NM_020686.6 (MANE Select); coding-DNA position 1274, G replaced by A.
Protein change: p.Arg425Gln; replaces arginine 425 with glutamine.
Molecular consequence: missense variant. On other transcripts: intron variant (1).
Genome position (GRCh38, 1-based): chr16:8,779,483, G>A. VCF-style: chr16-8779483-G-A. GRCh37 (hg19) VCF-style: chr16-8873340-G-A.
Other names: c.1274G>A (NM_000663.4); c.1274G>A, p.Arg425Gln (NM_000663.5, NM_001127448.2, NM_001386600.1 and 5 more transcripts); c.1235G>A, p.Arg412Gln (NM_001386605.1); c.1211G>A, p.Arg404Gln (NM_001386606.1, NM_001386607.1); c.1181G>A, p.Arg394Gln (NM_001386608.1); c.1139G>A, p.Arg380Gln (NM_001386610.1, NM_001386611.1); c.1076G>A, p.Arg359Gln (NM_001386612.1, NM_001386613.1); c.1028G>A, p.Arg343Gln (NM_001386614.1); and 2 more; short protein forms R425Q, R343Q, R359Q, R380Q, R394Q, R404Q, R412Q, R457Q.
Identifiers: ClinVar variation 572999 (VCV000572999.10), dbSNP rs368127499, ClinGen allele CA7893509.

ClinVar aggregate classification (germline): Uncertain significance. Review status: criteria provided, multiple submitters, no conflicts (2 of 4 stars). 4 submissions from 4 submitters: Uncertain significance (4). Last evaluated 2024-12-22.

Conditions:
Gamma-aminobutyric acid transaminase deficiency (GABATD). Also called: GABA aminotransaminase deficiency; GABA transaminase deficiency; Gamma aminobutyrate transaminase deficiency; 4 alpha aminobutyrate transaminase deficiency. Identifiers: Orphanet 2066, MedGen C0342708, MONDO:0013166, OMIM 613163.
Inborn genetic diseases. Identifiers: MedGen C0950123, MeSH D030342.

Allele frequency attached by ClinVar (database versions not stated): TOPMed 0.00005; gnomAD 0.00006 and 0.00007; gnomAD exomes 0.00006; ExAC 0.00007; ESP Exome Variant Server 0.00008; 1000 Genomes Project 0.00020; 1000 Genomes Project 30x 0.00031.
gnomAD v4.1: 120 of 1,613,922 alleles (0.0074%); highest among the groups gnomAD compares: East Asian, 0.047%; no homozygotes.

Submissions (4):

Ambry Genetics
Classification: Uncertain significance for Inborn genetic diseases. Last evaluated: 2024-12-22. Review status: criteria provided, single submitter. Criteria: Ambry Variant Classification Scheme 2023. Collection method: clinical testing. Allele origin: germline.

Labcorp Genetics (formerly Invitae), Labcorp
Classification: Uncertain significance for Gamma-aminobutyric acid transaminase deficiency. Last evaluated: 2022-08-15. Review status: criteria provided, single submitter. Criteria: Invitae Variant Classification Sherloc (09022015). Collection method: clinical testing. Allele origin: germline.
Comment: This sequence change replaces arginine, which is basic and polar, with glutamine, which is neutral and polar, at codon 425 of the ABAT protein (p.Arg425Gln). This variant is present in population databases (rs368127499, gnomAD 0.04%). This variant has not been reported in the literature in individuals affected with ABAT-related conditions. ClinVar contains an entry for this variant (Variation ID: 572999). Algorithms developed to predict the effect of missense changes on protein structure and function output the following: SIFT: "Tolerated"; PolyPhen-2: "Benign"; Align-GVGD: "Class C0". The glutamine amino acid residue is found in multiple mammalian species, which suggests that this missense change does not adversely affect protein function. In summary, the available evidence is currently insufficient to determine the role of this variant in disease. Therefore, it has been classified as a Variant of Uncertain Significance.

Pittsburgh Clinical Genomics Laboratory, University of Pittsburgh Medical Center
Classification: Uncertain significance for Gamma-aminobutyric acid transaminase deficiency. Last evaluated: 2022-04-08. Review status: criteria provided, single submitter. Criteria: ACMG Guidelines, 2015. Collection method: clinical testing. Allele origin: germline. Inheritance: Autosomal recessive inheritance. Affected: yes.
Comment: This sequence variant is a single nucleotide substitution (G>A) at position 1274 of the coding sequence of the ABAT gene that results in a arginine to glutamine amino acid change at residue 425 of the GABA-transamise enzyme, the ABAT encoded protein. This is a previously reported variant (ClinVar) that has not been observed in individuals with ABAT-related disorders in the published literature, to our knowledge. This variant is rare in control population datasets (gnomAD database 18 of 282,856 alleles, 0.006%). Multiple bioinformatic tools provide conflicting predictions concerning the impact of this variant on the structure and function of GABA-transamise. The Arg425 is moderately conserved, though the altertive residue Gln425 has been observed in several vertebrate species. Studies examining the functiol consequence of this variant have not been published, to our knowledge. At this time, there is insufficient evidence to determine if this variant is pathogenic or benign. Therefore, we consider this a variant of uncertain significance. ACMG Criteria: BP5, PM2

Blueprint Genetics
Classification: Uncertain significance. Last evaluated: 2021-03-17. Review status: criteria provided, single submitter. Criteria: ACMG Guidelines, 2015. Collection method: clinical testing. Allele origin: germline.